The following is an entry in ClinVar:

NM_001005337.3(PKP1):c.1840C>T (p.Gln614Ter)

Gene: PKP1 (plakophilin 1; plus strand). Cytogenetic location: 1q32.1.
Variant type: single nucleotide variant.
Coding change: c.1840C>T on transcript NM_001005337.3 (MANE Select); coding-DNA position 1840, C replaced by T.
Protein change: p.Gln614Ter; replaces glutamine 614 with a stop codon.
Molecular consequence: nonsense.
Genome position (GRCh38, 1-based): chr1:201,324,946, C>T. VCF-style: chr1-201324946-C-T. GRCh37 (hg19) VCF-style: chr1-201294074-C-T.
Other names: c.1903C>T, p.Gln635Ter (NM_000299.4); short protein forms Q614*, Q635*.
Identifiers: ClinVar variation 429879 (VCV000429879.2), dbSNP rs1131691647, ClinGen allele CA344183320.

ClinVar aggregate classification (germline): Pathogenic (1 of 4 stars; one submission).

Submission:

GeneDx
Classification: Pathogenic. Last evaluated: 2015-10-14. Review status: criteria provided, single submitter. Criteria: GeneDx Variant Classification (06012015). Collection method: clinical testing. Allele origin: germline. Affected: yes.
Comment: The Q614X variant in the PKP1 gene has not been reported previously as a pathogenic variant nor as a benign variant, to our knowledge, although other premature termination codon forming variants have been reported. This variant is predicted to cause loss of normal protein function either through protein truncation or nonsense-mediated mRNA decay. The Q614X variant was not observed in approximately 6500 individuals of European and African American ancestry in the NHLBI Exome Sequencing Project, indicating it is not a common benign variant in these populations. We interpret Q614X as a pathogenic variant.